The following is an entry in ClinVar:

NM_033453.4(ITPA):c.415C>T (p.Arg139Trp)

Gene: ITPA (inosine triphosphatase; plus strand). Cytogenetic location: 20p13.
Variant type: single nucleotide variant.
Coding change: c.415C>T on transcript NM_033453.4 (MANE Select); coding-DNA position 415, C replaced by T.
Protein change: p.Arg139Trp; replaces arginine 139 with tryptophan.
Molecular consequence: missense variant. On other transcripts: synonymous variant (4), non-coding transcript variant (2), intron variant (1).
Genome position (GRCh38, 1-based): chr20:3,221,844, C>T. VCF-style: chr20-3221844-C-T. GRCh37 (hg19) VCF-style: chr20-3202490-C-T.
Other names: c.292C>T, p.Arg98Trp (NM_001267623.2); c.78C>T, p.Ala26= (NM_001324236.2, NM_001324237.2, NM_001324238.2 and 1 more transcripts); c.364C>T, p.Arg122Trp (NM_181493.4); c.411+3212C>T (NM_001324240.2); short protein forms R139W, R122W, R98W.
Identifiers: ClinVar variation 533416 (VCV000533416.11), dbSNP rs1329748108, ClinGen allele CA408080692.

ClinVar aggregate classification (germline): Uncertain significance (1 of 4 stars; one submission).

Conditions:
Inosine triphosphatase deficiency. Also called: INOSINE TRIPHOSPHATE PYROPHOSPHOHYDROLASE DEFICIENCY. Identifiers: MedGen C0342800, MONDO:0013461, OMIM 613850.

Allele frequency attached by ClinVar (database versions not stated): gnomAD exomes 0.00001 and below 0.00001.

Submission:

Labcorp Genetics (formerly Invitae), Labcorp
Classification: Uncertain significance for Inosine triphosphatase deficiency. Last evaluated: 2022-02-20. Review status: criteria provided, single submitter. Criteria: Invitae Variant Classification Sherloc (09022015). Collection method: clinical testing. Allele origin: germline.
Comment: This sequence change replaces arginine, which is basic and polar, with tryptophan, which is neutral and slightly polar, at codon 139 of the ITPA protein (p.Arg139Trp). This variant is present in population databases (no rsID available, gnomAD 0.003%). This variant has not been reported in the literature in individuals affected with ITPA-related conditions. ClinVar contains an entry for this variant (Variation ID: 533416). Algorithms developed to predict the effect of missense changes on protein structure and function are either unavailable or do not agree on the potential impact of this missense change (SIFT: "Deleterious"; PolyPhen-2: "Probably Damaging"; Align-GVGD: "Class C0"). In summary, the available evidence is currently insufficient to determine the role of this variant in disease. Therefore, it has been classified as a Variant of Uncertain Significance.